The following is an entry in ClinVar:

NM_025114.4(CEP290):c.4031T>C (p.Val1344Ala)

Gene: CEP290 (centrosomal protein 290; minus strand). Cytogenetic location: 12q21.32.
Variant type: single nucleotide variant.
Coding change: c.4031T>C on transcript NM_025114.4 (MANE Select); coding-DNA position 4031, T replaced by C.
Protein change: p.Val1344Ala; replaces valine 1344 with alanine.
Molecular consequence: missense variant.
Genome position (GRCh38, 1-based): chr12:88,087,943, A>G on the plus strand (T>C on the coding strand, the complement: CEP290 is on the minus strand). VCF-style: chr12-88087943-A-G. GRCh37 (hg19) VCF-style: chr12-88481720-A-G.
Other names: short protein forms V1344A.
Identifiers: ClinVar variation 196794 (VCV000196794.21), dbSNP rs369227219, ClinGen allele CA244171.

ClinVar aggregate classification (germline): Uncertain significance. Review status: criteria provided, multiple submitters, no conflicts (2 of 4 stars). 9 submissions from 9 submitters: Uncertain significance (7). 2 of the submissions do not count toward it. Last evaluated 2025-05-28.

Conditions:
CEP290-related disorder. Also called: CEP290-related disorders; CEP290-related condition. Identifiers: MedGen CN239314.
Inborn genetic diseases. Identifiers: MedGen C0950123, MeSH D030342.
Nephronophthisis. Also called: Juvenile Nephronophthisis. Identifiers: Orphanet 655, MedGen C0687120, MONDO:0019005, HP:0000090.
Meckel-Gruber syndrome. Also called: DYSENCEPHALIA SPLANCHNOCYSTICA; GRUBER SYNDROME; Dysencephalia splachnocystica. Identifiers: Orphanet 564, MedGen C0265215, MONDO:0018921.
Joubert syndrome. Also called: JOUBERT-BOLTSHAUSER SYNDROME; Familial aplasia of the vermis. Identifiers: Orphanet 475, MedGen C5979921, MONDO:0018772.
Bardet-Biedl syndrome 14 (BBS14). Identifiers: Orphanet 110, MedGen C2673874, MONDO:0014442, OMIM 615991.
Senior-Loken syndrome 6 (SLSN6). Identifiers: Orphanet 3156, MedGen C1857779, MONDO:0012433, OMIM 610189.
Joubert syndrome 5 (JBTS5). Identifiers: Orphanet 2318, MedGen C1857780, MONDO:0012432, OMIM 610188.
Meckel syndrome, type 4 (MKS4). Also called: MECKEL-GRUBER SYNDROME, TYPE 4. Identifiers: Orphanet 564, MedGen C1970161, MONDO:0012626, OMIM 611134.
Leber congenital amaurosis 10 (LCA10). Identifiers: Orphanet 65, MedGen C1857821, MONDO:0012723, OMIM 611755.
Leber congenital amaurosis (LCA). Also called: Leber's amaurosis. Identifiers: Orphanet 65, MedGen C0339527, MeSH D057130, MONDO:0018998.

Allele frequency attached by ClinVar (database versions not stated): gnomAD exomes 0.00004 and 0.00006; ExAC 0.00008; 1000 Genomes Project 30x 0.00016; 1000 Genomes Project 0.00020; ESP Exome Variant Server 0.00035; gnomAD 0.00060 and 0.00067; TOPMed 0.00065.

Submissions (9):

Ambry Genetics
Classification: Uncertain significance for Inborn genetic diseases. Last evaluated: 2025-05-28. Review status: criteria provided, single submitter. Criteria: Ambry Variant Classification Scheme 2023. Collection method: clinical testing. Allele origin: germline.
Comment: The c.4031T>C (p.V1344A) alteration is located in exon 32 (coding exon 31) of the CEP290 gene. This alteration results from a T to C substitution at nucleotide position 4031, causing the valine (V) at amino acid position 1344 to be replaced by an alanine (A). Based on data from the Genome Aggregation Database (gnomAD) database, the CEP290 c.4031T>C alteration was observed in 0.03% (17/65120) of total alleles studied, with a frequency of 0.15% (17/11218) in the African subpopulation. This amino acid position is highly conserved in available vertebrate species. The in silico prediction for the p.V1344A alteration is inconclusive. Based on insufficient or conflicting evidence, the clinical significance of this alteration remains unclear.

Labcorp Genetics (formerly Invitae), Labcorp
Classification: Uncertain significance for Joubert syndrome; Meckel-Gruber syndrome; Nephronophthisis. Last evaluated: 2025-01-13. Review status: criteria provided, single submitter. Criteria: Invitae Variant Classification Sherloc (09022015). Collection method: clinical testing. Allele origin: germline.
Comment: This sequence change replaces valine, which is neutral and non-polar, with alanine, which is neutral and non-polar, at codon 1344 of the CEP290 protein (p.Val1344Ala). This variant is present in population databases (rs369227219, gnomAD 0.2%). This variant has not been reported in the literature in individuals affected with CEP290-related conditions. ClinVar contains an entry for this variant (Variation ID: 196794). An algorithm developed to predict the effect of missense changes on protein structure and function (PolyPhen-2) suggests that this variant is likely to be disruptive. In summary, the available evidence is currently insufficient to determine the role of this variant in disease. Therefore, it has been classified as a Variant of Uncertain Significance.

GeneDx
Classification: Uncertain significance. Last evaluated: 2024-07-10. Review status: criteria provided, single submitter. Criteria: GeneDx Variant Classification Process June 2021. Collection method: clinical testing. Allele origin: germline. Affected: yes.
Comment: In silico analysis indicates that this missense variant does not alter protein structure/function; Has not been previously published as pathogenic or benign to our knowledge

Fulgent Genetics
Classification: Uncertain significance for Joubert syndrome 5; Senior-Loken syndrome 6; Meckel syndrome, type 4; Leber congenital amaurosis 10; Bardet-Biedl syndrome 14. Last evaluated: 2024-01-23. Review status: criteria provided, single submitter. Criteria: ACMG Guidelines, 2015. Collection method: clinical testing. Allele origin: germline.

Blueprint Genetics
Classification: Uncertain significance. Last evaluated: 2022-08-23. Review status: criteria provided, single submitter. Criteria: ACMG Guidelines, 2015. Collection method: clinical testing. Allele origin: germline.

Revvity Omics, Revvity
Classification: Uncertain significance. Last evaluated: 2020-04-17. Review status: criteria provided, single submitter. Criteria: ACMG Guidelines, 2015. Collection method: clinical testing. Allele origin: germline.

Eurofins Ntd Llc (ga)
Classification: Uncertain significance. Last evaluated: 2014-05-20. Review status: criteria provided, single submitter. Criteria: EGL Classification Definitions 2015. Collection method: clinical testing. Allele origin: germline. Observed: 2 variant alleles, 2 heterozygotes.

PreventionGenetics, part of Exact Sciences
Classification: Likely benign for CEP290-related condition. Last evaluated: 2022-02-24. Review status: no assertion criteria provided. Collection method: clinical testing. Allele origin: germline. Not counted in ClinVar's aggregate classification.
Comment: This variant is classified as likely benign based on ACMG/AMP sequence variant interpretation guidelines (Richards et al. 2015 PMID: 25741868, with internal and published modifications).

Natera, Inc.
Classification: Uncertain significance for Leber congenital amaurosis. Last evaluated: 2019-10-28. Review status: no assertion criteria provided. Collection method: clinical testing. Allele origin: germline. Not counted in ClinVar's aggregate classification.